The following is an entry in ClinVar:

ClinVar aggregate classification (germline): Uncertain significance. Review status: criteria provided, single submitter (1 of 4 stars). 2 submissions from 2 submitters: Uncertain significance (1). 1 of the submissions does not count toward it. Last evaluated 2024-05-05.

Conditions:
ANXA11-related disorder. Also called: ANXA11-related condition.

Submissions (2):

Labcorp Genetics (formerly Invitae), Labcorp
Classification: Uncertain significance. Last evaluated: 2024-05-05. Review status: criteria provided, single submitter. Criteria: Invitae Variant Classification Sherloc (09022015). Collection method: clinical testing. Allele origin: germline.
Comment: This sequence change creates a premature translational stop signal (p.Gln147*) in the ANXA11 gene. It is expected to result in an absent or disrupted protein product. However, the current clinical and genetic evidence is not sufficient to establish whether loss-of-function variants in ANXA11 cause disease. This variant is present in population databases (no rsID available, gnomAD 0.02%). This variant has not been reported in the literature in individuals affected with ANXA11-related conditions. In summary, the available evidence is currently insufficient to determine the role of this variant in disease. Therefore, it has been classified as a Variant of Uncertain Significance.

PreventionGenetics, part of Exact Sciences
Classification: Uncertain significance for ANXA11-related condition. Last evaluated: 2024-05-23. Review status: no assertion criteria provided. Collection method: clinical testing. Allele origin: germline. Not counted in ClinVar's aggregate classification.
Comment: The ANXA11 c.439C>T variant is predicted to result in premature protein termination (p.Gln147*). To our knowledge, this variant has not been reported in the literature. This variant is reported in 0.023% of alleles in individuals of African descent in gnomAD. Although we suspect that this variant may be pathogenic, at this time, the clinical significance of this variant is uncertain due to the absence of conclusive functional and genetic evidence.

NM_145868.2(ANXA11):c.439C>T (p.Gln147Ter)

Gene: ANXA11 (annexin A11; minus strand). Cytogenetic location: 10q22.3.
Variant type: single nucleotide variant.
Coding change: c.439C>T on transcript NM_145868.2 (MANE Select); coding-DNA position 439, C replaced by T.
Protein change: p.Gln147Ter; replaces glutamine 147 with a stop codon.
Molecular consequence: nonsense.
Genome position (GRCh38, 1-based): chr10:80,169,091, G>A on the plus strand (C>T on the coding strand, the complement: ANXA11 is on the minus strand). VCF-style: chr10-80169091-G-A. GRCh37 (hg19) VCF-style: chr10-81928847-G-A.
Other names: c.439C>T, p.Gln147Ter (NM_001157.3, NM_001278407.2, NM_001278408.2 and 1 more transcripts); c.340C>T, p.Gln114Ter (NM_001278409.2); short protein forms Q114*, Q147*.
Identifiers: ClinVar variation 3358318 (VCV003358318.3).